The following is an entry in ClinVar:

ClinVar aggregate classification (germline): Pathogenic. Review status: criteria provided, single submitter (1 of 4 stars). 2 submissions from 2 submitters: Pathogenic (1). 1 of the submissions does not count toward it. Last evaluated 2020-12-07.

Conditions:
Deficiency of 2-methylbutyryl-CoA dehydrogenase (ACADSB). Also called: 2-methylbutyrylglycinuria; 2-methylbutyryl-CoA dehydrogenase deficiency; SBCAD deficiency; 2-methylbutyric aciduria; Short branched-chain acyl-CoA dehydrogenase deficiency. Identifiers: Orphanet 79157, MedGen C1864912, MONDO:0012392, OMIM 610006, HP:0020147.

Allele frequency attached by ClinVar (database versions not stated): gnomAD 0.00001; TOPMed 0.00001; ExAC 0.00002; gnomAD exomes 0.00002.
gnomAD v4.1: 35 of 1,613,864 alleles (0.0022%); highest among the groups gnomAD compares: Non-Finnish European, 0.003%; no homozygotes.

Submissions (2):

Labcorp Genetics (formerly Invitae), Labcorp
Classification: Pathogenic for Deficiency of 2-methylbutyryl-CoA dehydrogenase. Last evaluated: 2020-12-07. Review status: criteria provided, single submitter. Criteria: Invitae Variant Classification Sherloc (09022015). Collection method: clinical testing. Allele origin: germline.
Comment: This sequence change replaces leucine with phenylalanine at codon 255 of the ACADSB protein (p.Leu255Phe). The leucine residue is weakly conserved and there is a small physicochemical difference between leucine and phenylalanine. For these reasons, this variant has been classified as Pathogenic. Experimental studies have shown that this variant affects ACADSB protein function (PMID: 10832746). This variant has been observed in individual(s) with SBCAD deficiency (PMID: 10832746, 16317551, 17945527). It has also been observed to segregate with disease in related individuals. ClinVar contains an entry for this variant (Variation ID: 9200). This variant is present in population databases (rs137852649, ExAC 0.003%).

OMIM
Classification: Pathogenic for 2-METHYLBUTYRYL-CoA DEHYDROGENASE DEFICIENCY. Last evaluated: 2006-02-01. Review status: no assertion criteria provided. Collection method: literature only. Allele origin: germline. Not counted in ClinVar's aggregate classification.

Literature cited by the submitters: PubMed 10832746 (cited by Labcorp Genetics (formerly Invitae), Labcorp and OMIM); PubMed 16317551 (cited by Labcorp Genetics (formerly Invitae), Labcorp and OMIM); PubMed 17945527 (cited by Labcorp Genetics (formerly Invitae), Labcorp).

NM_001609.4(ACADSB):c.763C>T (p.Leu255Phe)

Gene: ACADSB (acyl-CoA dehydrogenase short/branched chain; plus strand). Cytogenetic location: 10q26.13.
Variant type: single nucleotide variant.
Coding change: c.763C>T on transcript NM_001609.4 (MANE Select); coding-DNA position 763, C replaced by T.
Protein change: p.Leu255Phe; replaces leucine 255 with phenylalanine.
Molecular consequence: missense variant.
Genome position (GRCh38, 1-based): chr10:123,043,127, C>T. VCF-style: chr10-123043127-C-T. GRCh37 (hg19) VCF-style: chr10-124802643-C-T.
Other names: L222F; c.457C>T, p.Leu153Phe (NM_001330174.3); short protein forms L255F, L153F.
Identifiers: ClinVar variation 9200 (VCV000009200.9), dbSNP rs137852649, ClinGen allele CA120174.